The following is an entry in ClinVar:

ClinVar aggregate classification (germline): Uncertain significance (1 of 4 stars; one submission).

Conditions:
Hyperphosphatasia with impaired intellectual development syndrome 2. Also called: Hyperphosphatasia with intellectual disability syndrome 2; GLYCOSYLPHOSPHATIDYLINOSITOL BIOSYNTHESIS DEFECT 6. Identifiers: Orphanet 247262, MedGen C3553637, MONDO:0013882, OMIM 614749.

Allele frequency attached by ClinVar (database versions not stated): gnomAD exomes below 0.00001 and 0.00001; gnomAD 0.00001; TOPMed 0.00001.
gnomAD v4.1: 4 of 1,614,108 alleles (0.00025%); highest among the groups gnomAD compares: Admixed American, 0.0067%; no homozygotes.

Submission:

Labcorp Genetics (formerly Invitae), Labcorp
Classification: Uncertain significance for Hyperphosphatasia with impaired intellectual development syndrome 2. Last evaluated: 2022-08-05. Review status: criteria provided, single submitter. Criteria: Invitae Variant Classification Sherloc (09022015). Collection method: clinical testing. Allele origin: germline.
Comment: This sequence change replaces proline, which is neutral and non-polar, with serine, which is neutral and polar, at codon 820 of the PIGO protein (p.Pro820Ser). This variant is present in population databases (no rsID available, gnomAD 0.006%). This variant has not been reported in the literature in individuals affected with PIGO-related conditions. ClinVar contains an entry for this variant (Variation ID: 1461282). Algorithms developed to predict the effect of missense changes on protein structure and function (SIFT, PolyPhen-2, Align-GVGD) all suggest that this variant is likely to be tolerated. In summary, the available evidence is currently insufficient to determine the role of this variant in disease. Therefore, it has been classified as a Variant of Uncertain Significance.

NM_032634.4(PIGO):c.2458C>T (p.Pro820Ser)

Gene: PIGO (phosphatidylinositol glycan anchor biosynthesis class O; minus strand). Cytogenetic location: 9p13.3.
Variant type: single nucleotide variant.
Coding change: c.2458C>T on transcript NM_032634.4 (MANE Select); coding-DNA position 2458, C replaced by T.
Protein change: p.Pro820Ser; replaces proline 820 with serine.
Molecular consequence: missense variant. On other transcripts: intron variant (2).
Genome position (GRCh38, 1-based): chr9:35,091,429, G>A on the plus strand (C>T on the coding strand, the complement: PIGO is on the minus strand). VCF-style: chr9-35091429-G-A. GRCh37 (hg19) VCF-style: chr9-35091426-G-A.
Other names: c.1345-138C>T (NM_152850.4, NM_001201484.2); short protein forms P820S.
Identifiers: ClinVar variation 1461282 (VCV001461282.7), dbSNP rs1413004957, ClinGen allele CA373319699.